The following is an entry in ClinVar:

NM_002691.4(POLD1):c.1384-19A>C

Gene: POLD1 (DNA polymerase delta 1, catalytic subunit; plus strand). Cytogenetic location: 19q13.33.
Variant type: single nucleotide variant.
Coding change: c.1384-19A>C on transcript NM_002691.4 (MANE Select); 19 bases into the intron before coding-DNA position 1384, A replaced by C.
Molecular consequence: intron variant.
Genome position (GRCh38, 1-based): chr19:50,406,388, A>C. VCF-style: chr19-50406388-A-C. GRCh37 (hg19) VCF-style: chr19-50909645-A-C.
Other names: c.1384-19A>C (NM_001256849.1, NM_001308632.1).
Identifiers: ClinVar variation 3904266 (VCV003904266.1).

ClinVar aggregate classification (germline): Likely benign (1 of 4 stars; one submission).

Conditions:
POLD1-related polyposis and colorectal cancer syndrome (CRCS10). Also called: Colorectal cancer 10; COLORECTAL CANCER, SUSCEPTIBILITY TO, ON CHROMOSOME 19q; Colorectal cancer, susceptibility to, 10. Identifiers: Orphanet 220460, MedGen C2675481, MONDO:0012953, OMIM 612591.

Submission:

Myriad Genetics, Inc.
Classification: Likely benign for POLD1-related polyposis and colorectal cancer syndrome. Last evaluated: 2025-02-06. Review status: criteria provided, single submitter. Criteria: Myriad Autosomal Dominant, Autosomal Recessive and X-Linked Classification Criteria (2023). Collection method: clinical testing. Allele origin: unknown.
Comment: This variant is considered likely benign. This variant is intronic and is not expected to impact mRNA splicing.